The following is an entry in ClinVar:

NM_001371596.2(MFSD8):c.1235C>T (p.Pro412Leu)

Gene: MFSD8 (major facilitator superfamily domain containing 8; minus strand). Cytogenetic location: 4q28.2.
Variant type: single nucleotide variant.
Coding change: c.1235C>T on transcript NM_001371596.2 (MANE Select); coding-DNA position 1235, C replaced by T.
Protein change: p.Pro412Leu; replaces proline 412 with leucine.
Molecular consequence: missense variant.
Genome position (GRCh38, 1-based): chr4:127,921,639, G>A on the plus strand (C>T on the coding strand, the complement: MFSD8 is on the minus strand). VCF-style: chr4-127921639-G-A. GRCh37 (hg19) VCF-style: chr4-128842794-G-A.
Other names: c.1034C>T, p.Pro345Leu (NM_001363520.3); c.920C>T, p.Pro307Leu (NM_001363521.3); c.1100C>T, p.Pro367Leu (NM_001371590.2); c.1235C>T, p.Pro412Leu (NM_001371591.2, NM_152778.4); c.1241C>T, p.Pro414Leu (NM_001371592.2); c.1121C>T, p.Pro374Leu (NM_001371593.2); c.1088C>T, p.Pro363Leu (NM_001371594.2); c.953C>T, p.Pro318Leu (NM_001371595.1); and 2 more; short protein forms P412L, P307L, P345L, P318L, P363L, P367L, P374L, P414L.
Identifiers: ClinVar variation 1005 (VCV000001005.30), dbSNP rs267607235, ClinGen allele CA251664.
Genomic context (GRCh38, chr4:127,921,639, plus strand): 5'-ACTGGATAGCCTAATCCTATTAGCACAGCTGATGTAAGGAACTGGGCCAGATGAATCACC[G>A]GGGTGTAGAGGCACCAGGCTTGTTCAATCGAGCAACCAGTTGGTCTTTCATTGTCATCTT-3'
Protein context (NP_001358525.1, residues 402-422): SIEQAWCLYT[Pro412Leu]VIHLAQFLTS

ClinVar aggregate classification (germline): Pathogenic/Likely pathogenic. Review status: criteria provided, multiple submitters, no conflicts (2 of 4 stars). 13 submissions from 13 submitters: Pathogenic (7); Likely pathogenic (5). 1 of the submissions does not count toward it. Last evaluated 2025-11-10.

Conditions:
MFSD8-related disorders.
Inborn genetic diseases. Identifiers: MedGen C0950123, MeSH D030342.
Late-infantile neuronal ceroid lipofuscinosis. Also called: Jansky-Bielschowsky disease. Identifiers: MedGen C0022340, MONDO:0015674.
Neuronal ceroid lipofuscinosis 7 (CLN7). Also called: MFSD8-Related Neuronal Ceroid-Lipofuscinosis. Identifiers: Orphanet 168491, Orphanet 228366, MedGen C1838571, MONDO:0012588, OMIM 610951.
Macular dystrophy with central cone involvement (CCMD). Identifiers: MedGen C4015371, MONDO:0014515, OMIM 616170.
Neuronal ceroid lipofuscinosis. Also called: Neuronal Ceroid Lipofuscinoses. Identifiers: Orphanet 216, Orphanet 79263, MedGen C0027877, MONDO:0016295. Disease mechanism: loss of function.

Allele frequency attached by ClinVar (database versions not stated): gnomAD 0.00001; TOPMed 0.00001; ExAC 0.00002; gnomAD exomes 0.00002.
gnomAD v4.1: 12 of 1,614,030 alleles (0.00074%); highest among the groups gnomAD compares: Admixed American, 0.005%; no homozygotes.

Submissions (13):

Labcorp Genetics (formerly Invitae), Labcorp
Classification: Pathogenic for Neuronal ceroid lipofuscinosis 7. Last evaluated: 2025-11-10. Review status: criteria provided, single submitter. Criteria: Invitae Variant Classification Sherloc (09022015). Collection method: clinical testing. Allele origin: germline.
Comment: This sequence change replaces proline, which is neutral and non-polar, with leucine, which is neutral and non-polar, at codon 412 of the MFSD8 protein (p.Pro412Leu). This variant is present in population databases (rs267607235, gnomAD 0.006%). This missense change has been observed in individual(s) with clinical features of neuronal ceroid lipofuscinosis (PMID: 19277732; internal data). In at least one individual the data is consistent with being in trans (on the opposite chromosome) from a pathogenic variant. It has also been observed to segregate with disease in related individuals. ClinVar contains an entry for this variant (Variation ID: 1005). Invitae Evidence Modeling of protein sequence and biophysical properties (such as structural, functional, and spatial information, amino acid conservation, physicochemical variation, residue mobility, and thermodynamic stability) has been performed for this missense variant. However, the output from this modeling did not meet the statistical confidence thresholds required to predict the impact of this variant on MFSD8 protein function. Experimental studies have shown that this missense change affects MFSD8 function (PMID: 22668694). For these reasons, this variant has been classified as Pathogenic.

First Genomix Gene Laboratory, Genetic Diagnostics Department
Classification: Pathogenic for Neuronal ceroid lipofuscinosis 7; Macular dystrophy with central cone involvement. Last evaluated: 2025-08-30. Review status: criteria provided, single submitter. Criteria: ACMG Guidelines, 2015. Collection method: clinical testing. Allele origin: germline. Inheritance: Autosomal recessive inheritance. Affected: no. Observed: 1 variant allele.

Natera, Inc.
Classification: Likely pathogenic for Late-infantile neuronal ceroid lipofuscinosis. Last evaluated: 2025-07-01. Review status: criteria provided, single submitter. Criteria: Natera Variant Classification Schema (03/2026). Collection method: clinical testing. Allele origin: germline.
Comment: The c.1235C>T variant in MFSD8 is a missense variant predicted to cause substitution of proline to leucine at amino acid 412. This variant is rare in the general population with a frequency below the threshold expected for the associated phenotype(s). This variant has been observed in one or more individuals affected with the associated recessive disease, as either homozygous or compound heterozygous with a second variant (PMID: 19277732, 26075876, 31006324). Functional studies show that this variant may disrupt protein function (PMID: 22668694). Computational prediction algorithms indicate this variant is likely to affect gene or protein function. Given the available evidence, this variant is classified as Likely Pathogenic.

3billion
Classification: Pathogenic for Neuronal ceroid lipofuscinosis 7. Last evaluated: 2025-05-23. Review status: criteria provided, single submitter. Criteria: ACMG Guidelines, 2015. Collection method: clinical testing. Allele origin: germline. Affected: yes.
Comment: The variant is observed at an extremely low frequency in the gnomAD v4.1.0 dataset (total allele frequency: <0.001%). Predicted Consequence/Location: Missense variant. The majority of the known disease-causing variants of this gene are variants expected to result in premature termination of the protein. In silico tool predictions suggest damaging effect of the variant on gene or gene product [REVEL: 0.82 (>=0.6, sensitivity 0.68 and specificity 0.92)]. The same nucleotide change resulting in the same amino acid change has been previously reported as pathogenic/likely pathogenic with strong evidence (ClinVar ID: VCV000001005 /PMID: 19277732 /3billion dataset). The variant has been reported to be in trans with a pathogenic variant as either compound heterozygous or homozygous in at least one similarly affected unrelated individual (PMID: 31006324). The variant has been reported to co-segregate with the disease in at least one similarly affected relative/individual in the same family or similarly affected unrelated families (PMID: 19277732). Therefore, this variant is classified as Pathogenic according to the recommendation of ACMG/AMP guideline.

Fulgent Genetics
Classification: Likely pathogenic for Neuronal ceroid lipofuscinosis 7; Macular dystrophy with central cone involvement. Last evaluated: 2024-05-23. Review status: criteria provided, single submitter. Criteria: ACMG Guidelines, 2015. Collection method: clinical testing. Allele origin: germline.

Genomic Medicine Center of Excellence, King Faisal Specialist Hospital and Research Centre
Classification: Likely pathogenic for Neuronal ceroid lipofuscinosis 7. Last evaluated: 2024-03-14. Review status: criteria provided, single submitter. Criteria: ACMG Guidelines, 2015. Collection method: research. Allele origin: germline.

Revvity Omics, Revvity
Classification: Pathogenic. Last evaluated: 2023-06-28. Review status: criteria provided, single submitter. Criteria: ACMG Guidelines, 2015. Collection method: clinical testing. Allele origin: germline.

Women's Health and Genetics/Laboratory Corporation of America, LabCorp
Classification: Pathogenic for Neuronal ceroid lipofuscinosis. Last evaluated: 2022-03-01. Review status: criteria provided, single submitter. Criteria: LabCorp Variant Classification Summary - May 2015. Collection method: clinical testing. Allele origin: germline.
Comment: Variant summary: MFSD8 c.1235C>T (p.Pro412Leu) results in a non-conservative amino acid change located in the Major facilitator superfamily domain (IPR020846) of the encoded protein sequence. Five of five in-silico tools predict a damaging effect of the variant on protein function. The variant allele was found at a frequency of 2e-05 in 251370 control chromosomes (gnomAD). c.1235C>T has been reported in the literature in multiple individuals/families affected with Neuronal Ceroid-Lipofuscinosis (Batten Disease) and cone-rod dystrophy (e.g. Aldahmesh_2009, Di Fruscio_2015, Zare-Abdollahi_2019). These data indicate that the variant is very likely to be associated with disease. Experimental evidence evaluating an impact on protein function demonstrated the variant enhanced its proteolytic cleavage in lysosomes (Steenhuis_2012). Three ClinVar submitters (evaluation after 2014) cite the variant as pathogenic/likely pathogenic. Based on the evidence outlined above, the variant was classified as pathogenic.

Blueprint Genetics
Classification: Pathogenic for MFSD8-related disorders. Last evaluated: 2020-08-28. Review status: criteria provided, single submitter. Criteria: ACMG Guidelines, 2015. Collection method: clinical testing. Allele origin: germline. Affected: yes. Observed: 2 variant alleles.

Victorian Clinical Genetics Services, Murdoch Childrens Research Institute
Classification: Pathogenic for Neuronal ceroid lipofuscinosis 7. Last evaluated: 2020-06-11. Review status: criteria provided, single submitter. Criteria: ACMG Guidelines, 2015. Collection method: clinical testing. Allele origin: germline. Inheritance: Autosomal recessive inheritance. Affected: no.
Comment: Based on the classification scheme VCGS_Germline_v1.1.1, this variant is classified as pathogenic. Following criteria are met: 0102 - Loss-of-function is a known mechanism of disease for this gene. (N) 0106 - This gene is known to be associated with autosomal recessive disease. (N) 0200 - Variant is predicted to result in a missense amino acid change from proline to leucine (exon 12). (N) 0251 - Variant is heterozygous. (N) 0304 - Variant is present in gnomAD <0.01 for a recessive condition (5 heterozygotes, 0 homozygotes). (P) 0501 - Missense variant consistently predicted to be damaging by multiple in silico tools or highly conserved with a major amino acid change. (P) 0600 - Variant is located in an annotated domain or motif, (the junction btw transmembrane domain 10 and 9; PMID:19277732). (N) 0705 - No comparable variants have previous evidence for pathogenicity. (N) 0802 - Moderate previous evidence of pathogenicity. This variant has been reported as homozygous and compound heterozygous in two families with neuronal ceroid lipofuscinosis and cone rod dystrophy, respectively (LOVD, ClinVar, PMID: 19277732, PMID: 31006324). (P) 0901 - Strong evidence for segregation with disease in two families (PMID: 19277732, PMID: 31006324). (P) 1002 - Moderate functional evidence supporting abnormal protein function. Assays demonstrated that mutant protein was more readily cleaved and degraded (PMID:22668694). (P) 1208 - Inheritance information for this variant is not currently available. (N) Legend: (P) - Pathogenic, (N) - Neutral, (B) - Benign

Baylor Genetics
Classification: Likely pathogenic for Neuronal ceroid lipofuscinosis 7. Last evaluated: 2020-06-09. Review status: criteria provided, single submitter. Criteria: ACMG Guidelines, 2015. Collection method: clinical testing. Allele origin: unknown. Affected: yes.
Comment: This variant was determined to be likely pathogenic according to ACMG Guidelines, 2015 [PMID:25741868].

Ambry Genetics
Classification: Likely pathogenic for Inborn genetic diseases. Last evaluated: 2016-04-11. Review status: criteria provided, single submitter. Criteria: Ambry Variant Classification Scheme 2023. Collection method: clinical testing. Allele origin: germline.
Comment: The p.P412L variant (also known as c.1235C>T), located in coding exon 11 of the MFSD8 gene, results from a C to T substitution at nucleotide position 1235. The proline at codon 412 is replaced by leucine, an amino acid with similar properties. A study analyzing the functional proteolytic cleavage activity of this gene in COS-7 cells found that this variant resulted in increased proteolytic cleavage of the CLN7 protein in lysosomes presumably resulting in a non-functional protein (Steenhuis et al. Biochim Biophys Acta. 2012;1822 (10):1617-28). In another study, the p.P412L variant (referred to as c.1398C>T) was identified in a homozygous state in a consanguineous Saudi Arabian family with three affected children. This variant was previously reported in the SNPDatabase as rs267607235. This variant was not reported in population-based cohorts in the following databases: NHLBI Exome Sequencing Project (ESP) and 1000 Genomes Project. In the ESP, this variant was not observed in 6,503 samples (13,006 alleles) with coverage at this position. This amino acid position is highly conserved in available vertebrate species. In addition, this alteration is predicted to be deleterious by in silico analysis. Based on the majority of available evidence to date, this variant is likely to be pathogenic.

OMIM
Classification: Pathogenic for CEROID LIPOFUSCINOSIS, NEURONAL, 7. Last evaluated: 2009-10-01. Review status: no assertion criteria provided. Collection method: literature only. Allele origin: germline. Not counted in ClinVar's aggregate classification.

Literature cited by the submitters: PubMed 19277732 (cited by 6 submitters); PubMed 22668694 (cited by 4 submitters); PubMed 26075876 (cited by Natera, Inc. and Women's Health and Genetics/Laboratory Corporation of America, LabCorp); PubMed 31006324 (cited by 4 submitters).